The following is an entry in ClinVar:

ClinVar aggregate classification (germline): Likely benign (1 of 4 stars; one submission).

gnomAD v4.1: 45 of 1,130,080 alleles (0.004%); highest among the groups gnomAD compares: African/African-American, 0.074%; no homozygotes.

Submission:

CeGaT Center for Human Genetics Tuebingen
Classification: Likely benign. Last evaluated: 2025-03-01. Review status: criteria provided, single submitter. Criteria: CeGaT Center For Human Genetics Tuebingen Variant Classification Criteria Version 2. Collection method: clinical testing. Allele origin: germline. Affected: yes. Observed: 1 variant allele.
Comment: TENT5A: BP4, BP7

NM_017633.3(TENT5A):c.129C>T (p.Gly43=)

Gene: TENT5A (terminal nucleotidyltransferase 5A; minus strand). Cytogenetic location: 6q14.1.
Variant type: single nucleotide variant.
Coding change: c.129C>T on transcript NM_017633.3 (MANE Select); coding-DNA position 129, C replaced by T.
Protein change: p.Gly43=; no amino-acid change (glycine 43 retained).
Molecular consequence: synonymous variant.
Genome position (GRCh38, 1-based): chr6:81,752,013, G>A on the plus strand (C>T on the coding strand, the complement: TENT5A is on the minus strand). VCF-style: chr6-81752013-G-A. GRCh37 (hg19) VCF-style: chr6-82461730-G-A.
Identifiers: ClinVar variation 3777939 (VCV003777939.7).